The following is an entry in ClinVar:

ClinVar aggregate classification (germline): Uncertain significance. Review status: criteria provided, multiple submitters, no conflicts (2 of 4 stars). 4 submissions from 4 submitters: Uncertain significance (4). Last evaluated 2026-01-07.

Conditions:
Dilated cardiomyopathy 1JJ (CMD1JJ). Identifiers: Orphanet 154, MedGen C3808935, MONDO:0014095, OMIM 615235.
Cardiomyopathy (CMYO). Also called: Cardiomyopathies. Identifiers: Orphanet 167848, MedGen C0878544, MONDO:0004994, HP:0001638. Inheritance: Various modes of inheritance.
Cardiovascular phenotype. Identifiers: MedGen CN230736.

Allele frequency attached by ClinVar (database versions not stated): ExAC 0.00004; gnomAD exomes 0.00004; TOPMed 0.00004.
gnomAD v4.1: 87 of 1,613,768 alleles (0.0054%); highest among the groups gnomAD compares: Non-Finnish European, 0.0065%; no homozygotes.

Submissions (4):

Labcorp Genetics (formerly Invitae), Labcorp
Classification: Uncertain significance for Dilated cardiomyopathy 1JJ. Last evaluated: 2026-01-07. Review status: criteria provided, single submitter. Criteria: Invitae Variant Classification Sherloc (09022015). Collection method: clinical testing. Allele origin: germline.
Comment: This sequence change replaces arginine, which is basic and polar, with glutamine, which is neutral and polar, at codon 455 of the LAMA4 protein (p.Arg455Gln). This variant is present in population databases (rs781977997, gnomAD 0.007%). This variant has not been reported in the literature in individuals affected with LAMA4-related conditions. ClinVar contains an entry for this variant (Variation ID: 432461). Invitae Evidence Modeling of protein sequence and biophysical properties (such as structural, functional, and spatial information, amino acid conservation, physicochemical variation, residue mobility, and thermodynamic stability) indicates that this missense variant is not expected to disrupt LAMA4 protein function with a negative predictive value of 80%. In summary, the available evidence is currently insufficient to determine the role of this variant in disease. Therefore, it has been classified as a Variant of Uncertain Significance.

Ambry Genetics
Classification: Uncertain significance for Cardiovascular phenotype. Last evaluated: 2025-05-05. Review status: criteria provided, single submitter. Criteria: Ambry Variant Classification Scheme 2023. Collection method: clinical testing. Allele origin: germline.

CHEO Genetics Diagnostic Laboratory, Children's Hospital of Eastern Ontario
Classification: Uncertain significance for Cardiomyopathy. Last evaluated: 2020-03-26. Review status: criteria provided, single submitter. Criteria: ACMG Guidelines, 2015. Collection method: clinical testing. Allele origin: germline.

GeneDx
Classification: Uncertain significance. Last evaluated: 2017-06-05. Review status: criteria provided, single submitter. Criteria: GeneDx Variant Classification (06012015). Collection method: clinical testing. Allele origin: germline. Affected: yes.
Comment: A variant of uncertain significance has been identified in the LAMA4 gene. The R455Q variant has not been published as pathogenic or been reported as benign to our knowledge. This variant is observed in 1/10338 (0.010%) alleles from individuals of African ancestry and 4/66320 (0.006%) alleles from individuals of Non-Finnish European ancestry in large population cohorts (Lek et al., 2016; 1000 Genomes Consortium et al., 2015; Exome Variant Server). The R455Q variant is a semi-conservative amino acid substitution, which may impact secondary protein structure as these residues differ in some properties. This substitution occurs at a position that is conserved in mammals. Nevertheless, in silico analysis predicts this variant likely does not alter the protein structure/function.

NM_001105206.3(LAMA4):c.1385G>A (p.Arg462Gln)

Gene: LAMA4 (laminin subunit alpha 4; minus strand). Cytogenetic location: 6q21.
Variant type: single nucleotide variant.
Coding change: c.1385G>A on transcript NM_001105206.3 (MANE Select); coding-DNA position 1385, G replaced by A.
Protein change: p.Arg462Gln; replaces arginine 462 with glutamine.
Molecular consequence: missense variant.
Genome position (GRCh38, 1-based): chr6:112,172,777, C>T on the plus strand (G>A on the coding strand, the complement: LAMA4 is on the minus strand). VCF-style: chr6-112172777-C-T. GRCh37 (hg19) VCF-style: chr6-112493979-C-T.
Other names: c.1364G>A, p.Arg455Gln (NM_001105207.3, NM_002290.5); c.1364G>A (LRG_433t2); short protein forms R455Q, R462Q.
Identifiers: ClinVar variation 432461 (VCV000432461.15), dbSNP rs781977997, ClinGen allele CA3965780.